The following is an entry in ClinVar:

NM_016507.4(CDK12):c.3004A>G (p.Thr1002Ala)

Gene: CDK12 (cyclin dependent kinase 12; plus strand). Cytogenetic location: 17q12.
Variant type: single nucleotide variant.
Coding change: c.3004A>G on transcript NM_016507.4 (MANE Select); coding-DNA position 3004, A replaced by G.
Protein change: p.Thr1002Ala; replaces threonine 1002 with alanine.
Molecular consequence: missense variant.
Genome position (GRCh38, 1-based): chr17:39,519,996, A>G. VCF-style: chr17-39519996-A-G. GRCh37 (hg19) VCF-style: chr17-37676249-A-G.
Other names: c.3004A>G, p.Thr1002Ala (NM_015083.4); short protein forms T1002A.
Identifiers: ClinVar variation 3489247 (VCV003489247.1).

ClinVar aggregate classification (germline): Uncertain significance (1 of 4 stars; one submission).

gnomAD v4.1: 52 of 1,613,946 alleles (0.0032%); highest among the groups gnomAD compares: Admixed American, 0.005%; 1 homozygote.

Submission:

Ambry Genetics
Classification: Uncertain significance. Last evaluated: 2024-11-22. Review status: criteria provided, single submitter. Criteria: Ambry Variant Classification Scheme 2023. Collection method: clinical testing. Allele origin: germline.
Comment: The p.T1002A variant (also known as c.3004A>G), located in coding exon 11 of the CDK12 gene, results from an A to G substitution at nucleotide position 3004. The threonine at codon 1002 is replaced by alanine, an amino acid with similar properties. This amino acid position is conserved. In addition, this alteration is predicted to be tolerated by in silico analysis. Based on the available evidence, the clinical significance of this variant remains unclear.